The following is an entry in ClinVar:

NM_001372076.1(PAX9):c.337_345del (p.Asp113_Tyr115del)

Gene: PAX9 (paired box 9; plus strand). Cytogenetic location: 14q13.3.
Variant type: Deletion.
Coding change: c.337_345del on transcript NM_001372076.1 (MANE Select); coding-DNA positions 337 to 345, 9 bases deleted (GACAAGTAC; older notation c.337_345delGACAAGTAC).
Protein change: p.Asp113_Tyr115del.
Genome position (GRCh38, 1-based): chr14:36,663,229-36,663,237, GACAAGTAC deleted; deleting any 9 consecutive bases within chr14:36,663,228-36,663,237 gives the same sequence; the c. name uses the placement nearest the transcript's 3' end. VCF-style (leftmost placement, unchanged base first): chr14-36663227-GCGACAAGTA-G. GRCh37 (hg19) VCF-style: chr14-37132432-GCGACAAGTA-G.
Other names: c.337_345del, p.Asp113_Tyr115del (NM_006194.4).
Identifiers: ClinVar variation 3654157 (VCV003654157.2).
Genomic context (GRCh38, chr14:36,663,227, plus strand): 5'-AGAGAGACCCCGGCATCTTCGCCTGGGAGATCCGGGACCGCCTGCTGGCGGACGGCGTGT[GCGACAAGTA>G]CAATGTGCCCTCCGTGAGCTCCATCAGCCGCATTCTGCGCAACAAGATCGGCAACTTGGC-3'

ClinVar aggregate classification (germline): Uncertain significance (1 of 4 stars; one submission).

Conditions:
Hypodontia. Also called: TOOTH AGENESIS, FAMILIAL; Tooth agenesis, selective; Partial congenital absence of teeth. Identifiers: Orphanet 99798, MedGen C0020608, MONDO:0005486, HP:0000668. Disease mechanism: loss of function.

Submission:

Labcorp Genetics (formerly Invitae), Labcorp
Classification: Uncertain significance for Hypodontia. Last evaluated: 2024-05-22. Review status: criteria provided, single submitter. Criteria: Invitae Variant Classification Sherloc (09022015). Collection method: clinical testing. Allele origin: germline.
Comment: This variant, c.337_345del, results in the deletion of 3 amino acid(s) of the PAX9 protein (p.Asp113_Tyr115del), but otherwise preserves the integrity of the reading frame. This variant is not present in population databases (gnomAD no frequency). This variant has not been reported in the literature in individuals affected with PAX9-related conditions. Experimental studies and prediction algorithms are not available or were not evaluated, and the functional significance of this variant is currently unknown. In summary, the available evidence is currently insufficient to determine the role of this variant in disease. Therefore, it has been classified as a Variant of Uncertain Significance.